The following is an entry in ClinVar:

NM_020041.3(SLC2A9):c.909C>T (p.Ser303=)

Gene: SLC2A9 (solute carrier family 2 member 9; minus strand). Cytogenetic location: 4p16.1.
Variant type: single nucleotide variant.
Coding change: c.909C>T on transcript NM_020041.3 (MANE Select); coding-DNA position 909, C replaced by T.
Protein change: p.Ser303=; no amino-acid change (serine 303 retained).
Molecular consequence: synonymous variant.
Genome position (GRCh38, 1-based): chr4:9,920,478, G>A on the plus strand (C>T on the coding strand, the complement: SLC2A9 is on the minus strand). VCF-style: chr4-9920478-G-A. GRCh37 (hg19) VCF-style: chr4-9922102-G-A.
Other names: c.822C>T, p.Ser274= (NM_001001290.2).
Identifiers: ClinVar variation 906926 (VCV000906926.9), dbSNP rs371313593, ClinGen allele CA2857040.

ClinVar aggregate classification (germline): Benign/Likely benign. Review status: criteria provided, multiple submitters, no conflicts (2 of 4 stars). 3 submissions from 3 submitters: Benign (1); Likely benign (2). Last evaluated 2025-09-27.

Conditions:
Hypouricemia, renal, 2. Also called: HYPOURICEMIA, RENAL, 2, AUTOSOMAL DOMINANT; HYPOURICEMIA, RENAL, 2, AUTOSOMAL RECESSIVE. Identifiers: MedGen C2677549, MONDO:0012793, OMIM 612076.

Allele frequency attached by ClinVar (database versions not stated): TOPMed 0.00002; ExAC 0.00003; gnomAD exomes 0.00003; gnomAD 0.00004 and 0.00005; ESP Exome Variant Server 0.00008; 1000 Genomes Project 30x 0.00016; 1000 Genomes Project 0.00020.
gnomAD v4.1: 49 of 1,614,142 alleles (0.003%); highest among the groups gnomAD compares: Middle Eastern, 0.033%; no homozygotes.

Submissions (3):

Labcorp Genetics (formerly Invitae), Labcorp
Classification: Likely benign. Last evaluated: 2025-09-27. Review status: criteria provided, single submitter. Criteria: Invitae Variant Classification Sherloc (09022015). Collection method: clinical testing. Allele origin: germline.

Fulgent Genetics
Classification: Likely benign for Hypouricemia, renal, 2. Last evaluated: 2022-02-19. Review status: criteria provided, single submitter. Criteria: ACMG Guidelines, 2015. Collection method: clinical testing. Allele origin: unknown.

Illumina Laboratory Services, Illumina
Classification: Benign for Hypouricemia, renal, 2. Last evaluated: 2018-01-12. Review status: criteria provided, single submitter. Criteria: ICSL Variant Classification Criteria 13 December 2019. Collection method: clinical testing. Allele origin: germline.
Comment: This variant was observed in the ICSL laboratory as part of a predisposition screen in an ostensibly healthy population. It had not been previously curated by ICSL or reported in the Human Gene Mutation Database (HGMD: prior to June 1st, 2018), and was therefore a candidate for classification through an automated scoring system. Utilizing variant allele frequency, disease prevalence and penetrance estimates, and inheritance mode, an automated score was calculated to assess if this variant is too frequent to cause the disease. Based on the score and internal cut-off values, a variant classified as benign is not then subjected to further curation. The score for this variant resulted in a classification of benign for this disease.